The following is an entry in ClinVar:

ClinVar aggregate classification (germline): Uncertain significance (1 of 4 stars; one submission).

gnomAD v4.1: 3 of 1,605,108 alleles (0.00019%); highest among the groups gnomAD compares: Non-Finnish European, 0.00026%; no homozygotes.

Submission:

Dasa
Classification: Uncertain significance. Last evaluated: 2026-04-24. Review status: criteria provided, single submitter. Criteria: DASA Assertion Criteria. Collection method: clinical testing. Allele origin: germline.
Comment: NM_001042681.2(RERE):c.1284+3G>A is a splice-region variant. This variant is rare in population databases. Computational prediction algorithms are consistent with a deleterious effect. The currently available literature and clinical evidence are not sufficient to establish a definitive association between this variant and the reported condition. Therefore, this variant is classified as a variant of uncertain significance.

NM_001042681.2(RERE):c.1284+3G>A

Gene: RERE (arginine-glutamic acid dipeptide repeats; minus strand). Cytogenetic location: 1p36.23.
Variant type: single nucleotide variant.
Coding change: c.1284+3G>A on transcript NM_001042681.2 (MANE Select); 3 bases into the intron after coding-DNA position 1284, G replaced by A.
Molecular consequence: intron variant.
Genome position (GRCh38, 1-based): chr1:8,422,724, C>T on the plus strand (G>A on the coding strand, the complement: RERE is on the minus strand). VCF-style: chr1-8422724-C-T. GRCh37 (hg19) VCF-style: chr1-8482784-C-T.
Other names: c.1284+3G>A (NM_012102.4); c.-379+3G>A (NM_001042682.2).
Identifiers: ClinVar variation 4881708 (VCV004881708.2).